The following is an entry in ClinVar:

NM_025136.4(OPA3):c.6G>A (p.Val2=)

Genes: OPA3 (outer mitochondrial membrane lipid metabolism regulator OPA3; minus strand), OPA3-RTN2 (OPA3-RTN2 readthrough; minus strand), LOC130064709 (ATAC-STARR-seq lymphoblastoid active region 14802; plus strand). Cytogenetic location: 19q13.32.
Variant type: single nucleotide variant.
Coding change: c.6G>A on transcript NM_025136.4 (MANE Select); coding-DNA position 6, G replaced by A.
Protein change: p.Val2=; no amino-acid change (valine 2 retained).
Molecular consequence: synonymous variant.
Genome position (GRCh38, 1-based): chr19:45,584,759, C>T on the plus strand (G>A on the coding strand, the complement: OPA3 is on the minus strand). VCF-style: chr19-45584759-C-T. GRCh37 (hg19) VCF-style: chr19-46088017-C-T.
Other names: c.6G>A, p.Val2= (NM_001017989.3); c.6G>A (NM_025136.3).
Identifiers: ClinVar variation 1462625 (VCV001462625.10), dbSNP rs2122529689, ClinGen allele CA507825534.

ClinVar aggregate classification (germline): Likely benign. Review status: criteria provided, single submitter (1 of 4 stars). 2 submissions from 2 submitters: Likely benign (1). 1 of the submissions does not count toward it. Last evaluated 2025-12-15.

Conditions:
OPA3-related disorder. Also called: OPA3-related condition.
Optic atrophy 3 (OPA3). Also called: Optic atrophy 3 with cataract; OPTIC ATROPHY 3, AUTOSOMAL DOMINANT; Optic atrophy, cataract, and neurologic disorder. Identifiers: Orphanet 67036, MedGen C1833809, MONDO:0008133, OMIM 165300.
3-Methylglutaconic aciduria type 3 (MGCA3). Also called: OPA3-Related 3-Methylglutaconic Aciduria; Costeff Syndrome; OPA3, AUTOSOMAL RECESSIVE; OPTIC ATROPHY 3, AUTOSOMAL RECESSIVE. Identifiers: Orphanet 67047, MedGen C0574084, MONDO:0009787, OMIM 258501.

Allele frequency attached by ClinVar (database versions not stated): gnomAD exomes below 0.00001.
gnomAD v4.1: 2 of 1,613,904 alleles (0.00012%); highest among the groups gnomAD compares: East Asian, 0.0022%; no homozygotes.

Submissions (2):

Labcorp Genetics (formerly Invitae), Labcorp
Classification: Likely benign for 3-Methylglutaconic aciduria type 3; Optic atrophy 3. Last evaluated: 2025-12-15. Review status: criteria provided, single submitter. Criteria: Invitae Variant Classification Sherloc (09022015). Collection method: clinical testing. Allele origin: germline.

PreventionGenetics, part of Exact Sciences
Classification: Likely benign for OPA3-related condition. Last evaluated: 2020-08-03. Review status: no assertion criteria provided. Collection method: clinical testing. Allele origin: germline. Not counted in ClinVar's aggregate classification.
Comment: This variant is classified as likely benign based on ACMG/AMP sequence variant interpretation guidelines (Richards et al. 2015 PMID: 25741868, with internal and published modifications).